The following is an entry in ClinVar:

ClinVar aggregate classification (germline): Benign (1 of 4 stars; one submission).

Conditions:
Loeys-Dietz syndrome 4 (LDS4). Also called: ANEURYSM, AORTIC AND CEREBRAL, WITH ARTERIAL TORTUOSITY AND SKELETAL MANIFESTATIONS; TGFB2-Related Loeys-Dietz Syndrome. Identifiers: MedGen C3553762, MONDO:0013897, OMIM 614816.

Allele frequency attached by ClinVar (database versions not stated): 1000 Genomes Project 0.00120; 1000 Genomes Project 30x 0.00141; gnomAD 0.00236 and 0.00259; TOPMed 0.00261.
gnomAD v4.1: 353 of 152,010 alleles (0.23%); highest among the groups gnomAD compares: African/African-American, 0.82%; 1 homozygote.

Submission:

Illumina Laboratory Services, Illumina
Classification: Benign for Loeys-Dietz syndrome 4. Last evaluated: 2018-01-13. Review status: criteria provided, single submitter. Criteria: ICSL Variant Classification Criteria 13 December 2019. Collection method: clinical testing. Allele origin: germline.
Comment: This variant was observed in the ICSL laboratory as part of a predisposition screen in an ostensibly healthy population. It had not been previously curated by ICSL or reported in the Human Gene Mutation Database (HGMD: prior to June 1st, 2018), and was therefore a candidate for classification through an automated scoring system. Utilizing variant allele frequency, disease prevalence and penetrance estimates, and inheritance mode, an automated score was calculated to assess if this variant is too frequent to cause the disease. Based on the score and internal cut-off values, a variant classified as benign is not then subjected to further curation. The score for this variant resulted in a classification of benign for this disease.

NM_003238.6(TGFB2):c.-746G>T

Gene: TGFB2 (transforming growth factor beta 2; plus strand). Cytogenetic location: 1q41.
Variant type: single nucleotide variant.
Coding change: c.-746G>T on transcript NM_003238.6 (MANE Select); 746 bases upstream of the start codon, G replaced by T.
Molecular consequence: 5 prime UTR variant. On other transcripts: non-coding transcript variant (2).
Genome position (GRCh38, 1-based): chr1:218,345,956, G>T. VCF-style: chr1-218345956-G-T. GRCh37 (hg19) VCF-style: chr1-218519298-G-T.
Other names: c.-746G>T (NM_001135599.4).
Identifiers: ClinVar variation 295462 (VCV000295462.5), dbSNP rs576053414, ClinGen allele CA10609905.